The following is an entry in ClinVar:

ClinVar aggregate classification (germline): Conflicting classifications of pathogenicity. Review status: criteria provided, conflicting classifications (1 of 4 stars). 6 submissions from 5 submitters: Uncertain significance (2); Benign (2); Likely benign (1). 1 of the submissions does not count toward it. Last evaluated 2026-01-28.

Conditions:
NDUFV1-related disorder. Also called: NDUFV1-related condition; NDUFV1-related disorders.
Mitochondrial complex I deficiency, nuclear type 1. Also called: NADH-COENZYME Q REDUCTASE DEFICIENCY; MITOCHONDRIAL NADH DEHYDROGENASE COMPONENT OF COMPLEX I, DEFICIENCY OF. Identifiers: MedGen C6022305, MONDO:0100224, OMIM 252010.
Leigh syndrome (NULS). Also called: Leigh Disease; Subacute necrotizing encephalopathy; Necrotizing encephalopathy infantile subacute of Leigh; Leigh Syndrome (mtDNA deletion); Leigh's necrotizing encephalopathy; Leigh's disease. Identifiers: Orphanet 506, MedGen C2931891, MONDO:0009723, OMIM 256000.

Allele frequency attached by ClinVar (database versions not stated): 1000 Genomes Project 0.00040; 1000 Genomes Project 30x 0.00047; TOPMed 0.00080; gnomAD 0.00106 and 0.00109; gnomAD exomes 0.00123 and 0.00127; ESP Exome Variant Server 0.00155; ExAC 0.00159.
gnomAD v4.1: 1,994 of 1,601,830 alleles (0.12%); highest among the groups gnomAD compares: Non-Finnish European, 0.14%; 1 homozygote.

Submissions (6):

Labcorp Genetics (formerly Invitae), Labcorp
Classification: Benign. Last evaluated: 2026-01-28. Review status: criteria provided, single submitter. Criteria: Invitae Variant Classification Sherloc (09022015). Collection method: clinical testing. Allele origin: germline.

Blueprint Genetics
Classification: Likely benign. Last evaluated: 2024-11-25. Review status: criteria provided, single submitter. Criteria: ACMG Guidelines, 2015. Collection method: clinical testing. Allele origin: germline.

Illumina Laboratory Services, Illumina
Classification: Uncertain significance for Mitochondrial complex I deficiency, nuclear type 1. Last evaluated: 2018-01-12. Review status: criteria provided, single submitter. Criteria: ICSL Variant Classification Criteria 13 December 2019. Collection method: clinical testing. Allele origin: germline.

Illumina Laboratory Services, Illumina
Classification: Uncertain significance for Leigh syndrome. Last evaluated: 2018-01-12. Review status: criteria provided, single submitter. Criteria: ICSL Variant Classification Criteria 13 December 2019. Collection method: clinical testing. Allele origin: germline.

GeneDx
Classification: Benign. Last evaluated: 2014-03-11. Review status: criteria provided, single submitter. Criteria: GeneDx Variant Classification (06012015). Collection method: clinical testing. Allele origin: germline. Affected: yes.
Comment: This variant is considered likely benign or benign based on one or more of the following criteria: it is a conservative change, it occurs at a poorly conserved position in the protein, it is predicted to be benign by multiple in silico algorithms, and/or has population frequency not consistent with disease.

PreventionGenetics, part of Exact Sciences
Classification: Likely benign for NDUFV1-related condition. Last evaluated: 2022-05-10. Review status: no assertion criteria provided. Collection method: clinical testing. Allele origin: germline. Not counted in ClinVar's aggregate classification.
Comment: This variant is classified as likely benign based on ACMG/AMP sequence variant interpretation guidelines (Richards et al. 2015 PMID: 25741868, with internal and published modifications).

NM_007103.4(NDUFV1):c.72+15G>T

Gene: NDUFV1 (NADH:ubiquinone oxidoreductase core subunit V1; plus strand). Cytogenetic location: 11q13.2.
Variant type: single nucleotide variant.
Coding change: c.72+15G>T on transcript NM_007103.4 (MANE Select); 15 bases into the intron after coding-DNA position 72, G replaced by T.
Molecular consequence: intron variant.
Genome position (GRCh38, 1-based): chr11:67,607,091, G>T. VCF-style: chr11-67607091-G-T. GRCh37 (hg19) VCF-style: chr11-67374562-G-T.
Other names: c.45+42G>T (NM_001166102.2).
Identifiers: ClinVar variation 138504 (VCV000138504.15), dbSNP rs187400726, ClinGen allele CA292522.